The following is an entry in ClinVar:

ClinVar aggregate classification (germline): Pathogenic (1 of 4 stars; one submission).

Submission:

GeneDx
Classification: Pathogenic. Last evaluated: 2025-08-18. Review status: criteria provided, single submitter. Criteria: GeneDx Variant Classification Process June 2021. Collection method: clinical testing. Allele origin: germline. Affected: yes.
Comment: Not observed at significant frequency in large population cohorts (gnomAD); In silico analysis indicates that this variant does not alter splicing; Has not been previously published as pathogenic or benign to our knowledge

NM_006766.5(KAT6A):c.2437-3C>G

Gene: KAT6A (lysine acetyltransferase 6A; minus strand). Cytogenetic location: 8p11.21.
Variant type: single nucleotide variant.
Coding change: c.2437-3C>G on transcript NM_006766.5 (MANE Select); 3 bases into the intron before coding-DNA position 2437, C replaced by G.
Molecular consequence: intron variant.
Genome position (GRCh38, 1-based): chr8:41,941,447, G>C on the plus strand (C>G on the coding strand, the complement: KAT6A is on the minus strand). VCF-style: chr8-41941447-G-C. GRCh37 (hg19) VCF-style: chr8-41798965-G-C.
Identifiers: ClinVar variation 392057 (VCV000392057.4), dbSNP rs1057524340, ClinGen allele CA16606098.
Genomic context (GRCh38, chr8:41,941,447, plus strand): 5'-CACTTTCTACTGAATAAGAATCTTGTTCTTTGTTCTCATGAGACACAGACTTTCCCACCT[G>C]ATTTTAGAAAATAAAACAATGCTGGTTAATTTTTCAGTCTTGTTTGCTTACATTTACCTA-3'